The following is an entry in ClinVar:

ClinVar aggregate classification (germline): Uncertain significance (1 of 4 stars; one submission).

Conditions:
Hereditary cancer-predisposing syndrome. Also called: Tumor predisposition; Hereditary Cancer Syndrome; Neoplastic Syndromes, Hereditary; Hereditary neoplastic syndrome. Identifiers: Orphanet 140162, MedGen C0027672, MeSH D009386, MONDO:0015356.

Submission:

Ambry Genetics
Classification: Uncertain significance for Hereditary cancer-predisposing syndrome. Last evaluated: 2024-04-01. Review status: criteria provided, single submitter. Criteria: Ambry Variant Classification Scheme 2023. Collection method: clinical testing. Allele origin: germline.
Comment: The p.T105P variant (also known as c.313A>C), located in coding exon 1 of the HOXB13 gene, results from an A to C substitution at nucleotide position 313. The threonine at codon 105 is replaced by proline, an amino acid with highly similar properties. This amino acid position is not well conserved in available vertebrate species. In addition, this alteration is predicted to be tolerated by in silico analysis. Since supporting evidence is limited at this time, the clinical significance of this alteration remains unclear.

NM_006361.6(HOXB13):c.313A>C (p.Thr105Pro)

Gene: HOXB13 (homeobox B13; minus strand). Cytogenetic location: 17q21.32.
Variant type: single nucleotide variant.
Coding change: c.313A>C on transcript NM_006361.6 (MANE Select); coding-DNA position 313, A replaced by C.
Protein change: p.Thr105Pro; replaces threonine 105 with proline.
Molecular consequence: missense variant.
Genome position (GRCh38, 1-based): chr17:48,728,281, T>G on the plus strand (A>C on the coding strand, the complement: HOXB13 is on the minus strand). VCF-style: chr17-48728281-T-G. GRCh37 (hg19) VCF-style: chr17-46805643-T-G.
Other names: short protein forms T105P.
Identifiers: ClinVar variation 822976 (VCV000822976.5), dbSNP rs1597934528, ClinGen allele CA400107712.